The following is an entry in ClinVar:

NM_012469.4(PRPF6):c.2028+5G>A

Gene: PRPF6 (pre-mRNA processing factor 6; plus strand). Cytogenetic location: 20q13.33.
Variant type: single nucleotide variant.
Coding change: c.2028+5G>A on transcript NM_012469.4 (MANE Select); 5 bases into the intron after coding-DNA position 2028, G replaced by A.
Molecular consequence: intron variant.
Genome position (GRCh38, 1-based): chr20:64,026,063, G>A. VCF-style: chr20-64026063-G-A. GRCh37 (hg19) VCF-style: chr20-62657416-G-A.
Identifiers: ClinVar variation 866795 (VCV000866795.8), dbSNP rs773257613, ClinGen allele CA9972348.

ClinVar aggregate classification (germline): Uncertain significance. Review status: criteria provided, multiple submitters, no conflicts (2 of 4 stars). 2 submissions from 2 submitters: Uncertain significance (2). Last evaluated 2023-05-04.

Allele frequency attached by ClinVar (database versions not stated): ExAC 0.00001; gnomAD 0.00001; gnomAD exomes 0.00001; TOPMed 0.00002.
gnomAD v4.1: 9 of 1,602,068 alleles (0.00056%); highest among the groups gnomAD compares: East Asian, 0.0045%; no homozygotes.

Submissions (2):

Blueprint Genetics
Classification: Uncertain significance. Last evaluated: 2023-05-04. Review status: criteria provided, single submitter. Criteria: ACMG Guidelines, 2015. Collection method: clinical testing. Allele origin: germline.

Labcorp Genetics (formerly Invitae), Labcorp
Classification: Uncertain significance. Last evaluated: 2021-10-27. Review status: criteria provided, single submitter. Criteria: Invitae Variant Classification Sherloc (09022015). Collection method: clinical testing. Allele origin: germline.
Comment: In summary, the available evidence is currently insufficient to determine the role of this variant in disease. Therefore, it has been classified as a Variant of Uncertain Significance. Variants that disrupt the consensus splice site are a relatively common cause of aberrant splicing (PMID: 17576681, 9536098). Algorithms developed to predict the effect of sequence changes on RNA splicing suggest that this variant may disrupt the consensus splice site. ClinVar contains an entry for this variant (Variation ID: 866795). This variant has not been reported in the literature in individuals affected with PRPF6-related conditions. This variant is present in population databases (rs773257613, gnomAD 0.02%). This sequence change falls in intron 15 of the PRPF6 gene. It does not directly change the encoded amino acid sequence of the PRPF6 protein. It affects a nucleotide within the consensus splice site.

Literature cited by the submitters: PubMed 17576681 (cited by Labcorp Genetics (formerly Invitae), Labcorp); PubMed 9536098 (cited by Labcorp Genetics (formerly Invitae), Labcorp).